The following is an entry in ClinVar:

ClinVar aggregate classification (germline): Likely benign. Review status: criteria provided, multiple submitters, no conflicts (2 of 4 stars). 2 submissions from 2 submitters: Likely benign (2). Last evaluated 2025-08-13.

Conditions:
Inclusion body myopathy with Paget disease of bone and frontotemporal dementia. Also called: Inclusion body myopathy with early-onset Paget disease and frontotemporal dementia. Identifiers: Orphanet 52430, MedGen C1833662, MONDO:0000507.
Frontotemporal dementia and/or amyotrophic lateral sclerosis 6 (FTDALS6). Also called: VCP-Related Amyotrophic Lateral Sclerosis; VCP-Related Amyotrophic Lateral Sclerosis/Frontotemporal Dementia. Identifiers: Orphanet 275872, Orphanet 803, MedGen C5436279, MONDO:0013501, OMIM 613954.

Allele frequency attached by ClinVar (database versions not stated): gnomAD exomes 0.00001; TOPMed 0.00002; ExAC 0.00003; gnomAD 0.00005.

Submissions (2):

Mayo Clinic Laboratories, Mayo Clinic
Classification: Likely benign. Last evaluated: 2025-08-13. Review status: criteria provided, single submitter. Criteria: ACMG Guidelines, 2015. Collection method: clinical testing. Allele origin: germline. Observed: 1 variant allele.
Comment: BP4, BP7

Labcorp Genetics (formerly Invitae), Labcorp
Classification: Likely benign for Inclusion body myopathy with Paget disease of bone and frontotemporal dementia; Frontotemporal dementia and/or amyotrophic lateral sclerosis 6. Last evaluated: 2025-03-24. Review status: criteria provided, single submitter. Criteria: Invitae Variant Classification Sherloc (09022015). Collection method: clinical testing. Allele origin: germline.

NM_007126.5(VCP):c.1416A>G (p.Pro472=)

Gene: VCP (valosin containing protein; minus strand). Cytogenetic location: 9p13.3.
Variant type: single nucleotide variant.
Coding change: c.1416A>G on transcript NM_007126.5 (MANE Select); coding-DNA position 1416, A replaced by G.
Protein change: p.Pro472=; no amino-acid change (proline 472 retained).
Molecular consequence: synonymous variant.
Genome position (GRCh38, 1-based): chr9:35,060,867, T>C on the plus strand (A>G on the coding strand, the complement: VCP is on the minus strand). VCF-style: chr9-35060867-T-C. GRCh37 (hg19) VCF-style: chr9-35060864-T-C.
Other names: p.Pro472=; c.1281A>G, p.Pro427= (NM_001354927.2, NM_001354928.2).
Identifiers: ClinVar variation 2045255 (VCV002045255.5), dbSNP rs201381499, ClinGen allele CA5039254.